The following is an entry in ClinVar:

NM_004817.4(TJP2):c.3407+7G>A

Gene: TJP2 (tight junction protein 2; plus strand). Cytogenetic location: 9q21.11.
Variant type: single nucleotide variant.
Coding change: c.3407+7G>A on transcript NM_004817.4 (MANE Select); 7 bases into the intron after coding-DNA position 3407, G replaced by A.
Molecular consequence: intron variant.
Genome position (GRCh38, 1-based): chr9:69,252,907, G>A. VCF-style: chr9-69252907-G-A. GRCh37 (hg19) VCF-style: chr9-71867823-G-A.
Other names: c.2897+7G>A (NM_001170414.2); c.3332+7G>A (NM_001369870.1); c.3338+7G>A (NM_001369871.1); c.2966+7G>A (NM_201629.3); c.3296+7G>A (NM_001369872.1); c.3083+7G>A (NM_001369873.1); c.3308+7G>A (NM_001170415.1); c.3500+7G>A (NM_001170416.2); and 2 more.
Identifiers: ClinVar variation 228008 (VCV000228008.14), dbSNP rs369322645, ClinGen allele CA5073955.
Genomic context (GRCh38, chr9:69,252,907, plus strand): 5'-TGCAGTTCCAATCAAAACGCACAAGCCAGACCCTGGCACGCCCCAGCACACGAGGTAAGG[G>A]CTGCCTAGTGGGTACAGGTCTAAGGCGGGGACTTCTCAAGGACTGGGACTTGAAGAAAGA-3'

ClinVar aggregate classification (germline): Likely benign. Review status: criteria provided, multiple submitters, no conflicts (2 of 4 stars). 3 submissions from 3 submitters: Likely benign (2). 1 of the submissions does not count toward it. Last evaluated 2026-01-26.

Conditions:
TJP2-related disorder. Also called: TJP2-related condition.

Allele frequency attached by ClinVar (database versions not stated): ESP Exome Variant Server 0.00008; gnomAD exomes 0.00008 and 0.00010; ExAC 0.00012; TOPMed 0.00012; gnomAD 0.00013 and 0.00015.

Submissions (3):

Labcorp Genetics (formerly Invitae), Labcorp
Classification: Likely benign. Last evaluated: 2026-01-26. Review status: criteria provided, single submitter. Criteria: Invitae Variant Classification Sherloc (09022015). Collection method: clinical testing. Allele origin: germline.

Laboratory for Molecular Medicine, Mass General Brigham Personalized Medicine
Classification: Likely benign. Last evaluated: 2012-04-30. Review status: criteria provided, single submitter. Criteria: LMM Criteria. Collection method: clinical testing. Allele origin: germline. Observed: 1 variant allele.
Comment: 2897+7G>A in Intron 21 of TJP2: This variant is not expected to have clinical si gnificance because it is not located within the conserved splice consensus seque nce and has been identified in 1/7020 European American chromosomes from a broad population by the NHLBI Exome Sequencing Project (EVS).

PreventionGenetics, part of Exact Sciences
Classification: Likely benign for TJP2-related condition. Last evaluated: 2021-03-31. Review status: no assertion criteria provided. Collection method: clinical testing. Allele origin: germline. Not counted in ClinVar's aggregate classification.
Comment: This variant is classified as likely benign based on ACMG/AMP sequence variant interpretation guidelines (Richards et al. 2015 PMID: 25741868, with internal and published modifications).